The following is an entry in ClinVar:

NM_005502.4(ABCA1):c.811G>A (p.Glu271Lys)

Gene: ABCA1 (ATP binding cassette subfamily A member 1; minus strand). Cytogenetic location: 9q31.1.
Variant type: single nucleotide variant.
Coding change: c.811G>A on transcript NM_005502.4 (MANE Select); coding-DNA position 811, G replaced by A.
Protein change: p.Glu271Lys; replaces glutamic acid 271 with lysine.
Molecular consequence: missense variant.
Genome position (GRCh38, 1-based): chr9:104,845,479, C>T on the plus strand (G>A on the coding strand, the complement: ABCA1 is on the minus strand). VCF-style: chr9-104845479-C-T. GRCh37 (hg19) VCF-style: chr9-107607760-C-T.
Other names: short protein forms E271K.
Identifiers: ClinVar variation 3270634 (VCV003270634.2).

ClinVar aggregate classification (germline): Uncertain significance (1 of 4 stars; one submission).

Conditions:
Cardiovascular phenotype. Identifiers: MedGen CN230736.

gnomAD v4.1: 2 of 1,612,700 alleles (0.00012%); highest among the groups gnomAD compares: East Asian, 0.0045%; no homozygotes.

Submission:

Ambry Genetics
Classification: Uncertain significance for Cardiovascular phenotype. Last evaluated: 2025-08-31. Review status: criteria provided, single submitter. Criteria: Ambry Variant Classification Scheme 2023. Collection method: clinical testing. Allele origin: germline.
Comment: The p.E271K variant (also known as c.811G>A), located in coding exon 7 of the ABCA1 gene, results from a G to A substitution at nucleotide position 811. The glutamic acid at codon 271 is replaced by lysine, an amino acid with similar properties. This amino acid position is conserved. In addition, this alteration is predicted to be deleterious by in silico analysis. Based on the available evidence, the clinical significance of this variant remains unclear.